The following is an entry in ClinVar:

ClinVar aggregate classification (germline): Likely benign. Review status: criteria provided, multiple submitters, no conflicts (2 of 4 stars). 7 submissions from 7 submitters: Likely benign (6). 1 of the submissions does not count toward it. Last evaluated 2025-11-17.

Conditions:
Charcot-Marie-Tooth disease. Also called: Charcot-Marie-Tooth Hereditary Neuropathy; Charcot-Marie-Tooth Neuropathy. Identifiers: Orphanet 166, MedGen C0007959, MONDO:0015626.
Charcot-Marie-Tooth disease axonal type 2O. Also called: CHARCOT-MARIE-TOOTH NEUROPATHY, AXONAL, TYPE 2O; CHARCOT-MARIE-TOOTH DISEASE, AXONAL, AUTOSOMAL DOMINANT, TYPE 2O; Charcot-Marie-Tooth Neuropathy Type 2O; Charcot-Marie-Tooth disease, axonal, type 20. Identifiers: Orphanet 284232, MedGen C3280220, MONDO:0013644, OMIM 614228.
DYNC1H1-related disorder. Also called: DYNC1H1-related condition; DYNC1H1-related disorders. Identifiers: MedGen CN381529.

Allele frequency attached by ClinVar (database versions not stated): gnomAD 0.00019 and 0.00017; ESP Exome Variant Server 0.00023; 1000 Genomes Project 0.00040; 1000 Genomes Project 30x 0.00047; gnomAD exomes 0.00002 and 0.00005; ExAC 0.00005; TOPMed 0.00011.
gnomAD v4.1: 55 of 1,611,968 alleles (0.0034%); highest among the groups gnomAD compares: African/African-American, 0.035%; no homozygotes.

Submissions (7):

Labcorp Genetics (formerly Invitae), Labcorp
Classification: Likely benign for Charcot-Marie-Tooth disease axonal type 2O. Last evaluated: 2025-11-17. Review status: criteria provided, single submitter. Criteria: Invitae Variant Classification Sherloc (09022015). Collection method: clinical testing. Allele origin: germline.

Mayo Clinic Laboratories, Mayo Clinic
Classification: Likely benign. Last evaluated: 2025-01-06. Review status: criteria provided, single submitter. Criteria: ACMG Guidelines, 2015. Collection method: clinical testing. Allele origin: germline. Observed: 2 variant alleles.
Comment: BS2, BP4, BP7

ARUP Laboratories, Molecular Genetics and Genomics, ARUP Laboratories
Classification: Likely benign. Last evaluated: 2024-07-25. Review status: criteria provided, single submitter. Criteria: ARUP Molecular Germline Variant Investigation Process 2024. Collection method: clinical testing. Allele origin: germline.

Blueprint Genetics
Classification: Likely benign. Last evaluated: 2022-12-29. Review status: criteria provided, single submitter. Criteria: ACMG Guidelines, 2015. Collection method: clinical testing. Allele origin: germline.

GeneDx
Classification: Likely benign. Last evaluated: 2021-05-11. Review status: criteria provided, single submitter. Criteria: GeneDx Variant Classification Process June 2021. Collection method: clinical testing. Allele origin: germline. Affected: yes.

Molecular Genetics Laboratory, London Health Sciences Centre
Classification: Likely benign for Charcot-Marie-Tooth disease. Review status: criteria provided, single submitter. Criteria: ACMG Guidelines, 2015. Collection method: clinical testing. Allele origin: germline. Affected: yes.

PreventionGenetics, part of Exact Sciences
Classification: Likely benign for DYNC1H1-related condition. Last evaluated: 2019-03-21. Review status: no assertion criteria provided. Collection method: clinical testing. Allele origin: germline. Not counted in ClinVar's aggregate classification.
Comment: This variant is classified as likely benign based on ACMG/AMP sequence variant interpretation guidelines (Richards et al. 2015 PMID: 25741868, with internal and published modifications).

NM_001376.5(DYNC1H1):c.261C>T (p.Asp87=)

Gene: DYNC1H1 (dynein cytoplasmic 1 heavy chain 1; plus strand). Cytogenetic location: 14q32.31.
Variant type: single nucleotide variant.
Coding change: c.261C>T on transcript NM_001376.5 (MANE Select); coding-DNA position 261, C replaced by T.
Protein change: p.Asp87=; no amino-acid change (aspartic acid 87 retained).
Molecular consequence: synonymous variant.
Genome position (GRCh38, 1-based): chr14:101,975,716, C>T. VCF-style: chr14-101975716-C-T. GRCh37 (hg19) VCF-style: chr14-102442053-C-T.
Other names: p.Asp87=.
Identifiers: ClinVar variation 539799 (VCV000539799.19), dbSNP rs75113705, ClinGen allele CA7351488.